The following is an entry in ClinVar:

ClinVar aggregate classification (germline): Benign/Likely benign. Review status: criteria provided, multiple submitters, no conflicts (2 of 4 stars). 2 submissions from 2 submitters: Benign (1); Likely benign (1). Last evaluated 2025-04-08.

Conditions:
Tuberous sclerosis 1 (TSC1). Identifiers: Orphanet 805, MedGen C1854465, MONDO:0008612, OMIM 191100.

Allele frequency attached by ClinVar (database versions not stated): gnomAD exomes below 0.00001.
gnomAD v4.1: 3 of 1,614,142 alleles (0.00019%); highest among the groups gnomAD compares: Non-Finnish European, 0.00025%; no homozygotes.

Submissions (2):

Myriad Genetics, Inc.
Classification: Benign for Tuberous sclerosis 1. Last evaluated: 2025-04-08. Review status: criteria provided, single submitter. Criteria: Myriad Autosomal Dominant, Autosomal Recessive and X-Linked Classification Criteria (2023). Collection method: clinical testing. Allele origin: unknown.
Comment: This variant is considered benign. This variant is a silent/synonymous amino acid change and it is not expected to impact splicing.

Labcorp Genetics (formerly Invitae), Labcorp
Classification: Likely benign for Tuberous sclerosis 1. Last evaluated: 2019-10-08. Review status: criteria provided, single submitter. Criteria: Invitae Variant Classification Sherloc (09022015). Collection method: clinical testing. Allele origin: germline.

NM_000368.5(TSC1):c.525C>G (p.Val175=)

Gene: TSC1 (TSC complex subunit 1; minus strand). Cytogenetic location: 9q34.13.
Variant type: single nucleotide variant.
Coding change: c.525C>G on transcript NM_000368.5 (MANE Select); coding-DNA position 525, C replaced by G.
Protein change: p.Val175=; no amino-acid change (valine 175 retained).
Molecular consequence: synonymous variant.
Genome position (GRCh38, 1-based): chr9:132,921,957, G>C on the plus strand (C>G on the coding strand, the complement: TSC1 is on the minus strand). VCF-style: chr9-132921957-G-C. GRCh37 (hg19) VCF-style: chr9-135797344-G-C.
Other names: c.525C>G, p.Val175= (NM_001162426.2); c.372C>G, p.Val124= (NM_001162427.2); c.162C>G, p.Val54= (NM_001362177.2).
Identifiers: ClinVar variation 1161773 (VCV001161773.10), dbSNP rs2132161260, ClinGen allele CA467593850.